The following is an entry in ClinVar:

NC_000013.11:g.(?_32316422)_(32355288_?)del

Gene: BRCA2 (BRCA2 DNA repair associated; plus strand). Cytogenetic location: 13q13.1.
Variant type: Deletion.
Identifiers: ClinVar variation 417470 (VCV000417470.1).

ClinVar aggregate classification (germline): Pathogenic (1 of 4 stars; one submission).

Conditions:
Hereditary breast ovarian cancer syndrome. Also called: Breast and ovarian cancer; Hereditary breast and ovarian cancer; Hereditary breast and/or ovarian cancer syndrome; BRCA1- and BRCA2-Associated Hereditary Breast and Ovarian Cancer; Hereditary breast and ovarian cancer syndrome (HBOC); Hereditary breast and ovarian cancer syndrome. Identifiers: Orphanet 145, MedGen C0677776, MeSH D061325, MONDO:0003582. Disease mechanism: loss of function.

Submission:

Labcorp Genetics (formerly Invitae), Labcorp
Classification: Pathogenic for Hereditary breast ovarian cancer syndrome. Last evaluated: 2016-08-15. Review status: criteria provided, single submitter. Criteria: Invitae Variant Classification Sherloc (09022015). Collection method: clinical testing. Allele origin: germline.
Comment: This variant is a gross deletion of the genomic region encompassing exons 2-14 of the BRCA2 gene, which includes the initiator codon. The 5' end of this event is unknown as it extends beyond the assayed region for this gene and therefore may encompass additional genes. The 3' boundary is likely confined to intron 14 of the BRCA2 gene. This is expected to result in an absent or disrupted protein product. While this particular variant has not been reported in the literature, exon-level deletions and loss-of-function truncating variants in BRCA2 are known to be pathogenic (PMID: 20104584). For these reasons, this variant has been classified as Pathogenic.